The following is an entry in ClinVar:

NM_001323289.2(CDKL5):c.2152+1G>A

Gene: CDKL5 (cyclin dependent kinase like 5; plus strand). Cytogenetic location: Xp22.13.
Variant type: single nucleotide variant.
Coding change: c.2152+1G>A on transcript NM_001323289.2 (MANE Select); the canonical splice donor site of the intron after coding-DNA position 2152, G replaced by A.
Molecular consequence: splice donor variant.
Genome position (GRCh38, 1-based): chrX:18,609,571, G>A. VCF-style: chrX-18609571-G-A. GRCh37 (hg19) VCF-style: chrX-18627691-G-A.
Other names: c.2152+1G>A (NM_003159.3, NM_001037343.2).
Identifiers: ClinVar variation 521911 (VCV000521911.5), dbSNP rs1555952732, ClinGen allele CA412366767.

ClinVar aggregate classification (germline): Pathogenic. Review status: criteria provided, multiple submitters, no conflicts (2 of 4 stars). 2 submissions from 2 submitters: Pathogenic (2). Last evaluated 2024-09-24.

Conditions:
Inborn genetic diseases. Identifiers: MedGen C0950123, MeSH D030342.
CDKL5 disorder. Identifiers: MedGen CN296942, MONDO:0100039.

Submissions (2):

Centre for Population Genomics, CPG
Classification: Pathogenic for CDKL5 disorder. Last evaluated: 2024-09-24. Review status: criteria provided, single submitter. Criteria: McKnight et al. (Hum Mutat. 2022). Collection method: curation. Allele origin: germline. Inheritance: X-linked inheritance.
Comment: This variant has been collected from RettBASE and curated to current modified ACMG/AMP criteria. Based on the classification scheme defined by the ClinGen Rett/Angelman-like Expert Panel for Rett/AS-like Disorders Specifications to the ACMG/AMP Variant Interpretation Guidelines VCEP 3.0, this variant is classified as pathogenic. At least the following criteria are met: Predicted to result in loss of function, and LOF is a known mechanism of disease (PVS1). This variant is absent from gnomAD v4 (PM2_Supporting). Has been observed in at least 2 individuals with phenotypes consistent with CDKL5 disorder (PS4_Supporting). PubMed: 27599155‚ 27781031, 23151060 , 521911

Ambry Genetics
Classification: Pathogenic for Inborn genetic diseases. Last evaluated: 2017-07-24. Review status: criteria provided, single submitter. Criteria: Ambry exome assertion method (8-5-2015). Collection method: clinical testing. Allele origin: germline. Affected: yes. Observed: 1 variant allele.

Literature cited by the submitters: PubMed 27599155 (cited by Ambry Genetics); PubMed 27781031 (cited by Ambry Genetics).